The following is an entry in ClinVar:

NM_000093.5(COL5A1):c.3906+15G>A

Gene: COL5A1 (collagen type V alpha 1 chain; plus strand). Cytogenetic location: 9q34.3.
Variant type: single nucleotide variant.
Coding change: c.3906+15G>A on transcript NM_000093.5 (MANE Select); 15 bases into the intron after coding-DNA position 3906, G replaced by A.
Molecular consequence: intron variant.
Genome position (GRCh38, 1-based): chr9:134,814,051, G>A. VCF-style: chr9-134814051-G-A. GRCh37 (hg19) VCF-style: chr9-137705897-G-A.
Other names: c.3906+15G>A (NM_001278074.1).
Identifiers: ClinVar variation 392550 (VCV000392550.11), dbSNP rs370937109, ClinGen allele CA5320071.
Genomic context (GRCh38, chr9:134,814,051, plus strand): 5'-TGGCGAAGCAGGTGAGCCTGGCCTTCCGGGAGAAGGCGGCCCCCCGGTGAGTGAGCGGGC[G>A]CTGCGGGAGGGGTGGGATATGGCCGAGCGGGTGTGTGGACGGGGTGCTGGGTTGGAGGCT-3'

ClinVar aggregate classification (germline): Benign/Likely benign. Review status: criteria provided, multiple submitters, no conflicts (2 of 4 stars). 5 submissions from 4 submitters: Benign (3); Likely benign (2). Last evaluated 2026-01-25.

Conditions:
Fibromuscular dysplasia, multifocal. Identifiers: MedGen C5543412, MONDO:0859151, OMIM 619329.
Ehlers-Danlos syndrome, classic type, 1 (EDSCL1). Also called: Ehlers-Danlos syndrome, type 1; Ehlers-Danlos Syndrome, Classic Type, COL5A1-Related; EDS I; EHLERS-DANLOS SYNDROME, GRAVIS TYPE; EHLERS-DANLOS SYNDROME, SEVERE CLASSIC TYPE. Identifiers: MedGen C0268335, MONDO:0019567, OMIM 130000.

Allele frequency attached by ClinVar (database versions not stated): 1000 Genomes Project 30x 0.00031; TOPMed 0.00054; ESP Exome Variant Server 0.00104.
gnomAD v4.1: 217 of 1,550,430 alleles (0.014%); highest among the groups gnomAD compares: African/African-American, 0.14%; no homozygotes.

Submissions (5):

Labcorp Genetics (formerly Invitae), Labcorp
Classification: Benign for Ehlers-Danlos syndrome, classic type, 1. Last evaluated: 2026-01-25. Review status: criteria provided, single submitter. Criteria: Invitae Variant Classification Sherloc (09022015). Collection method: clinical testing. Allele origin: germline.

Blueprint Genetics
Classification: Likely benign. Last evaluated: 2023-11-22. Review status: criteria provided, single submitter. Criteria: ACMG Guidelines, 2015. Collection method: clinical testing. Allele origin: germline.

Genome-Nilou Lab
Classification: Benign for Ehlers-Danlos syndrome, classic type, 1. Last evaluated: 2022-03-15. Review status: criteria provided, single submitter. Criteria: ACMG Guidelines, 2015. Collection method: clinical testing. Allele origin: germline. Affected: no.

Genome-Nilou Lab
Classification: Benign for Fibromuscular dysplasia, multifocal. Last evaluated: 2022-03-15. Review status: criteria provided, single submitter. Criteria: ACMG Guidelines, 2015. Collection method: clinical testing. Allele origin: germline. Affected: no.

GeneDx
Classification: Likely benign. Last evaluated: 2017-10-20. Review status: criteria provided, single submitter. Criteria: GeneDx Variant Classification (06012015). Collection method: clinical testing. Allele origin: germline. Affected: yes.
Comment: This variant is considered likely benign or benign based on one or more of the following criteria: it is a conservative change, it occurs at a poorly conserved position in the protein, it is predicted to be benign by multiple in silico algorithms, and/or has population frequency not consistent with disease.